The following is an entry in ClinVar:

NM_014361.4(CNTN5):c.801T>C (p.Tyr267=)

Gene: CNTN5 (contactin 5; plus strand). Cytogenetic location: 11q22.1.
Variant type: single nucleotide variant.
Coding change: c.801T>C on transcript NM_014361.4 (MANE Select); coding-DNA position 801, T replaced by C.
Protein change: p.Tyr267=; no amino-acid change (tyrosine 267 retained).
Molecular consequence: synonymous variant.
Genome position (GRCh38, 1-based): chr11:99,956,933, T>C. VCF-style: chr11-99956933-T-C. GRCh37 (hg19) VCF-style: chr11-99827665-T-C.
Other names: c.801T>C, p.Tyr267= (NM_001243270.2, NM_001243271.2); c.579T>C, p.Tyr193= (NM_175566.2).
Identifiers: ClinVar variation 2642309 (VCV002642309.24), dbSNP rs201937561, ClinGen allele CA6242214.

ClinVar aggregate classification (germline): Likely benign (1 of 4 stars; one submission).

Allele frequency attached by ClinVar (database versions not stated): gnomAD 0.00007; TOPMed 0.00007; gnomAD exomes 0.00008; ExAC 0.00019.
gnomAD v4.1: 135 of 1,613,810 alleles (0.0084%); highest among the groups gnomAD compares: South Asian, 0.018%; no homozygotes.

Submission:

CeGaT Center for Human Genetics Tuebingen
Classification: Likely benign. Last evaluated: 2022-04-01. Review status: criteria provided, single submitter. Criteria: CeGaT Center For Human Genetics Tuebingen Variant Classification Criteria Version 2. Collection method: clinical testing. Allele origin: germline. Affected: yes. Observed: 1 variant allele.
Comment: CNTN5: BP4, BP7